The following is an entry in ClinVar:

ClinVar aggregate classification (germline): Benign (1 of 4 stars; one submission).

gnomAD v4.1: 13,577 of 1,599,718 alleles (0.85%); highest among the groups gnomAD compares: Non-Finnish European, 1.1%; 74 homozygotes.

Submission:

CeGaT Center for Human Genetics Tuebingen
Classification: Benign. Last evaluated: 2025-11-01. Review status: criteria provided, single submitter. Criteria: CeGaT Center For Human Genetics Tuebingen Variant Classification Criteria Version 2. Collection method: clinical testing. Allele origin: germline. Affected: yes. Observed: 1 variant allele.
Comment: CRYZL2P-SEC16B: BP4, BS1, BS2; SEC16B: BP4, BS1, BS2

NM_033127.4(SEC16B):c.1153A>G (p.Ile385Val)

Genes: CRYZL2P-SEC16B (CRYZL2P-SEC16B readthrough; minus strand), SEC16B (SEC16 homolog B, endoplasmic reticulum export factor; minus strand). Cytogenetic location: 1q25.2.
Variant type: single nucleotide variant.
Coding change: c.1153A>G on transcript NM_033127.4 (MANE Select); coding-DNA position 1153, A replaced by G.
Protein change: p.Ile385Val; replaces isoleucine 385 with valine.
Molecular consequence: missense variant. On other transcripts: non-coding transcript variant (1).
Genome position (GRCh38, 1-based): chr1:177,958,344, T>C on the plus strand (A>G on the coding strand, the complement: SEC16B is on the minus strand). VCF-style: chr1-177958344-T-C. GRCh37 (hg19) VCF-style: chr1-177927479-T-C.
Other names: c.1153A>G, p.Ile385Val (NM_001356505.2, NM_001356506.2, NM_001390833.1); c.1156A>G, p.Ile386Val (NM_001356499.2, NM_001390834.1, NM_001390835.1); short protein forms I385V, I386V.
Identifiers: ClinVar variation 4533446 (VCV004533446.6).